The following is an entry in ClinVar:

NM_005751.5(AKAP9):c.8631T>G (p.Cys2877Trp)

Gene: AKAP9 (A-kinase anchoring protein 9; plus strand). Cytogenetic location: 7q21.2.
Variant type: single nucleotide variant.
Coding change: c.8631T>G on transcript NM_005751.5 (MANE Select); coding-DNA position 8631, T replaced by G.
Protein change: p.Cys2877Trp; replaces cysteine 2877 with tryptophan.
Molecular consequence: missense variant.
Genome position (GRCh38, 1-based): chr7:92,083,640, T>G. VCF-style: chr7-92083640-T-G. GRCh37 (hg19) VCF-style: chr7-91712954-T-G.
Other names: c.3276T>G, p.Cys1092Trp (NM_001379277.1); c.8607T>G, p.Cys2869Trp (NM_147185.3); short protein forms C2877W, C2869W, C1092W.
Identifiers: ClinVar variation 618521 (VCV000618521.10), dbSNP rs1563113459, ClinGen allele CA368140066.
Genomic context (GRCh38, chr7:92,083,640, plus strand): 5'-CTATGTTGCCGTTCAGTTACTGAAAGAGGAATGTGGTACCTTGAAGGCAGTGATACAGTG[T>G]CTGAGAAGTAAAGAGGTATTTGGTTTTTATAATATGTGTTTTTCAACATTGTGTGGTTTT-3'
Protein context (NP_005742.4, residues 2867-2887): ECGTLKAVIQ[Cys2877Trp]LRSKEGSSIP

ClinVar aggregate classification (germline): Uncertain significance. Review status: criteria provided, multiple submitters, no conflicts (2 of 4 stars). 2 submissions from 2 submitters: Uncertain significance (2). Last evaluated 2022-11-17.

Conditions:
Cardiovascular phenotype. Identifiers: MedGen CN230736.

Allele frequency attached by ClinVar (database versions not stated): gnomAD exomes below 0.00001.
gnomAD v4.1: 1 of 1,611,606 alleles (0.000062%); highest among the groups gnomAD compares: Non-Finnish European, 0.000085%; no homozygotes.

Submissions (2):

Ambry Genetics
Classification: Uncertain significance for Cardiovascular phenotype. Last evaluated: 2022-11-17. Review status: criteria provided, single submitter. Criteria: Ambry Variant Classification Scheme 2023. Collection method: clinical testing. Allele origin: germline.
Comment: The p.C2877W variant (also known as c.8631T>G), located in coding exon 33 of the AKAP9 gene, results from a T to G substitution at nucleotide position 8631. The cysteine at codon 2877 is replaced by tryptophan, an amino acid with highly dissimilar properties. This amino acid position is conserved. In addition, this alteration is predicted to be tolerated by in silico analysis. Since supporting evidence is limited at this time, the clinical significance of this alteration remains unclear.

ARUP Laboratories, Molecular Genetics and Genomics, ARUP Laboratories
Classification: Uncertain significance. Last evaluated: 2017-09-29. Review status: criteria provided, single submitter. Criteria: ARUP Molecular Germline Variant Investigation Process. Collection method: clinical testing. Allele origin: germline.
Comment: The p.Cys2877Trp variant has not been reported in the medical literature, gene specific variation databases, nor has it been previously identified by our laboratory. It is absent from general population databases such as 1000 Genomes, NHLBI GO Exome Sequencing Project (ESP), and the Genome Aggregation Database (gnomAD). The cysteine at position 2877 is moderately conserved and computational analyses of the p.Cys2877Trp variant on protein structure and function indicate a neutral effect (SIFT: tolerated, MutationTaster: polymorphism, PolyPhen-2: benign). Altogether, there is not enough evidence to classify the p.Cys2877Trp variant with certainty.